The following is an entry in ClinVar:

ClinVar aggregate classification (germline): Uncertain significance (1 of 4 stars; one submission).

Conditions:
Autosomal dominant limb-girdle muscular dystrophy type 1G (LGMDD3). Also called: Limb-girdle muscular dystrophy, type 1G; MUSCULAR DYSTROPHY, LIMB-GIRDLE, AUTOSOMAL DOMINANT 3. Identifiers: Orphanet 55596, MedGen C1836765, MONDO:0012193, OMIM 609115.

Allele frequency attached by ClinVar (database versions not stated): ExAC 0.00001; TOPMed 0.00001; gnomAD 0.00002; ESP Exome Variant Server 0.00008.
gnomAD v4.1: 3 of 1,614,082 alleles (0.00019%); highest among the groups gnomAD compares: Non-Finnish European, 0.00025%; no homozygotes.

Submission:

Labcorp Genetics (formerly Invitae), Labcorp
Classification: Uncertain significance for Autosomal dominant limb-girdle muscular dystrophy type 1G. Last evaluated: 2024-09-22. Review status: criteria provided, single submitter. Criteria: Invitae Variant Classification Sherloc (09022015). Collection method: clinical testing. Allele origin: germline.
Comment: This sequence change replaces aspartic acid, which is acidic and polar, with glycine, which is neutral and non-polar, at codon 243 of the HNRNPDL protein (p.Asp243Gly). This variant is present in population databases (rs374333066, gnomAD 0.0009%). This variant has not been reported in the literature in individuals affected with HNRNPDL-related conditions. ClinVar contains an entry for this variant (Variation ID: 1483224). An algorithm developed to predict the effect of missense changes on protein structure and function (PolyPhen-2) suggests that this variant is likely to be disruptive. In summary, the available evidence is currently insufficient to determine the role of this variant in disease. Therefore, it has been classified as a Variant of Uncertain Significance.

NM_031372.4(HNRNPDL):c.728A>G (p.Asp243Gly)

Gene: HNRNPDL (heterogeneous nuclear ribonucleoprotein D like; minus strand). Cytogenetic location: 4q21.22.
Variant type: single nucleotide variant.
Coding change: c.728A>G on transcript NM_031372.4 (MANE Select); coding-DNA position 728, A replaced by G.
Protein change: p.Asp243Gly; replaces aspartic acid 243 with glycine.
Molecular consequence: missense variant. On other transcripts: non-coding transcript variant (1).
Genome position (GRCh38, 1-based): chr4:82,428,064, T>C on the plus strand (A>G on the coding strand, the complement: HNRNPDL is on the minus strand). VCF-style: chr4-82428064-T-C. GRCh37 (hg19) VCF-style: chr4-83349217-T-C.
Other names: c.728A>G, p.Asp243Gly (NM_001207000.1); short protein forms D243G.
Identifiers: ClinVar variation 1483224 (VCV001483224.8), dbSNP rs374333066, ClinGen allele CA2984900.
Genomic context (GRCh38, chr4:82,428,064, plus strand): 5'-ACATAATCACACACCTCTCCAAAGGCTCCAAAATATTCTTTAATTTGTTCTTCAGAAGTA[T>C]CCGGGCTCAATCCACCCACAAAAACCTTTTTGGGAGGTTCTTTCCCTTTTAAAGCTTTGG-3'
Protein context (NP_112740.1, residues 233-253): KKVFVGGLSP[Asp243Gly]TSEEQIKEYF